The following is an entry in ClinVar:

ClinVar aggregate classification (germline): Uncertain significance (1 of 4 stars; one submission).

Allele frequency attached by ClinVar (database versions not stated): gnomAD exomes below 0.00001; TOPMed below 0.00001; gnomAD 0.00001.
gnomAD v4.1: 2 of 1,613,580 alleles (0.00012%); highest among the groups gnomAD compares: Non-Finnish European, 0.00017%; no homozygotes.

Submission:

Labcorp Genetics (formerly Invitae), Labcorp
Classification: Uncertain significance. Last evaluated: 2021-01-14. Review status: criteria provided, single submitter. Criteria: Invitae Variant Classification Sherloc (09022015). Collection method: clinical testing. Allele origin: germline.
Comment: In summary, the available evidence is currently insufficient to determine the role of this variant in disease. Therefore, it has been classified as a Variant of Uncertain Significance. This variant has not been reported in the literature in individuals with KIZ-related conditions. This variant is not present in population databases (ExAC no frequency). This sequence change replaces glutamic acid with lysine at codon 368 of the KIZ protein (p.Glu368Lys). The glutamic acid residue is highly conserved and there is a small physicochemical difference between glutamic acid and lysine. Experimental studies and prediction algorithms are not available or were not evaluated, and the functional significance of this variant is currently unknown.

NM_018474.6(KIZ):c.1102G>A (p.Glu368Lys)

Gene: KIZ (kizuna centrosomal protein; plus strand). Cytogenetic location: 20p11.23.
Variant type: single nucleotide variant.
Coding change: c.1102G>A on transcript NM_018474.6 (MANE Select); coding-DNA position 1102, G replaced by A.
Protein change: p.Glu368Lys; replaces glutamic acid 368 with lysine.
Molecular consequence: missense variant.
Genome position (GRCh38, 1-based): chr20:21,162,909, G>A. VCF-style: chr20-21162909-G-A. GRCh37 (hg19) VCF-style: chr20-21143550-G-A.
Other names: c.793G>A, p.Glu265Lys (NM_001163022.3, NM_001352435.2); c.703G>A, p.Glu235Lys (NM_001163023.3); c.955G>A, p.Glu319Lys (NM_001276389.2); c.1102G>A, p.Glu368Lys (NM_001352434.2); c.760G>A, p.Glu254Lys (NM_001352436.2); short protein forms E235K, E254K, E265K, E319K, E368K.
Identifiers: ClinVar variation 1005413 (VCV001005413.7), dbSNP rs1178232011, ClinGen allele CA408493431.
Genomic context (GRCh38, chr20:21,162,909, plus strand): 5'-GATCATCTTGCTCACAGGGAACCAAAGTCACAAAAGCCCTTCAGAAAAATGCAGGAAGAG[G>A]AGGAGGAAAGTTGGAGCACCAGCAGTGACCTTACCATTTCAATAAGTGAAGATGATCTGA-3'
Protein context (NP_060944.3, residues 358-378): QKPFRKMQEE[Glu368Lys]EESWSTSSDL